The following is an entry in ClinVar:

ClinVar aggregate classification (germline): Uncertain significance (1 of 4 stars; one submission).

Conditions:
Inborn genetic diseases. Identifiers: MedGen C0950123, MeSH D030342.

gnomAD v4.1: 5 of 1,614,068 alleles (0.00031%); highest among the groups gnomAD compares: Non-Finnish European, 0.00034%; no homozygotes.

Submission:

Ambry Genetics
Classification: Uncertain significance for Inborn genetic diseases. Last evaluated: 2025-02-02. Review status: criteria provided, single submitter. Criteria: Ambry Variant Classification Scheme 2023. Collection method: clinical testing. Allele origin: germline.
Comment: The p.N804H variant (also known as c.2410A>C), located in coding exon 8 of the MECOM gene, results from an A to C substitution at nucleotide position 2410. The asparagine at codon 804 is replaced by histidine, an amino acid with similar properties. This amino acid position is conserved. In addition, this alteration is predicted to be tolerated by in silico analysis. Based on the available evidence, the clinical significance of this variant remains unclear.

NM_004991.4(MECOM):c.2410A>C (p.Asn804His)

Gene: MECOM (MDS1 and EVI1 complex locus; minus strand). Cytogenetic location: 3q26.2.
Variant type: single nucleotide variant.
Coding change: c.2410A>C on transcript NM_004991.4 (MANE Select); coding-DNA position 2410, A replaced by C.
Protein change: p.Asn804His; replaces asparagine 804 with histidine.
Molecular consequence: missense variant.
Genome position (GRCh38, 1-based): chr3:169,115,462, T>G on the plus strand (A>C on the coding strand, the complement: MECOM is on the minus strand). VCF-style: chr3-169115462-T-G. GRCh37 (hg19) VCF-style: chr3-168833250-T-G.
Other names: c.2041A>C, p.Asn681His (NM_001105077.4); c.1846A>C, p.Asn616His (NM_001105078.4, NM_001164000.2, NM_001205194.2 and 4 more transcripts); c.1849A>C, p.Asn617His (NM_001163999.2, NM_001366467.2, NM_001366468.2 and 1 more transcripts); c.2410A>C, p.Asn804His (NM_001366466.2); c.1438A>C, p.Asn480His (NM_001366473.2); c.874A>C, p.Asn292His (NM_001366474.2); short protein forms N616H, N480H, N681H, N292H, N617H, N804H.
Identifiers: ClinVar variation 3871779 (VCV003871779.1).